The following is an entry in ClinVar:

NM_000127.3(EXT1):c.1765A>G (p.Ile589Val)

Gene: EXT1 (exostosin glycosyltransferase 1; minus strand). Cytogenetic location: 8q24.11.
Variant type: single nucleotide variant.
Coding change: c.1765A>G on transcript NM_000127.3 (MANE Select); coding-DNA position 1765, A replaced by G.
Protein change: p.Ile589Val; replaces isoleucine 589 with valine.
Molecular consequence: missense variant.
Genome position (GRCh38, 1-based): chr8:117,807,335, T>C on the plus strand (A>G on the coding strand, the complement: EXT1 is on the minus strand). VCF-style: chr8-117807335-T-C. GRCh37 (hg19) VCF-style: chr8-118819574-T-C.
Other names: short protein forms I589V.
Identifiers: ClinVar variation 856372 (VCV000856372.11), dbSNP rs1823254644, ClinGen allele CA371878478.

ClinVar aggregate classification (germline): Uncertain significance. Review status: criteria provided, multiple submitters, no conflicts (2 of 4 stars). 3 submissions from 3 submitters: Uncertain significance (3). Last evaluated 2025-02-22.

Conditions:
Inborn genetic diseases. Identifiers: MedGen C0950123, MeSH D030342.
Chondrosarcoma. Also called: Chondrosarcoma, somatic. Identifiers: Orphanet 55880, MedGen C0008479, MONDO:0008977, OMIM 215300, HP:0006765.
Multiple congenital exostosis (EXT). Also called: Hereditary multiple exostoses; Hereditary multiple exostosis; MULTIPLE CARTILAGINOUS EXOSTOSES; Multiple exostoses; Multiple osteochondromas; Hereditary multiple osteochondromas. Identifiers: Orphanet 321, MedGen C0015306, MONDO:0005508, HP:0002762.

Allele frequency attached by ClinVar (database versions not stated): TOPMed 0.00002; gnomAD 0.00001.
gnomAD v4.1: 1 of 1,614,014 alleles (0.000062%); highest among the groups gnomAD compares: Admixed American, 0.0017%; no homozygotes.

Submissions (3):

Ambry Genetics
Classification: Uncertain significance for Inborn genetic diseases. Last evaluated: 2025-02-22. Review status: criteria provided, single submitter. Criteria: Ambry Variant Classification Scheme 2023. Collection method: clinical testing. Allele origin: germline.

Labcorp Genetics (formerly Invitae), Labcorp
Classification: Uncertain significance for Multiple congenital exostosis. Last evaluated: 2024-10-26. Review status: criteria provided, single submitter. Criteria: Invitae Variant Classification Sherloc (09022015). Collection method: clinical testing. Allele origin: germline.
Comment: This sequence change replaces isoleucine, which is neutral and non-polar, with valine, which is neutral and non-polar, at codon 589 of the EXT1 protein (p.Ile589Val). This variant is not present in population databases (gnomAD no frequency). This variant has not been reported in the literature in individuals affected with EXT1-related conditions. ClinVar contains an entry for this variant (Variation ID: 856372). Invitae Evidence Modeling of protein sequence and biophysical properties (such as structural, functional, and spatial information, amino acid conservation, physicochemical variation, residue mobility, and thermodynamic stability) indicates that this missense variant is not expected to disrupt EXT1 protein function with a negative predictive value of 80%. In summary, the available evidence is currently insufficient to determine the role of this variant in disease. Therefore, it has been classified as a Variant of Uncertain Significance.

Baylor Genetics
Classification: Uncertain significance for Chondrosarcoma. Last evaluated: 2023-06-09. Review status: criteria provided, single submitter. Criteria: ACMG Guidelines, 2015. Collection method: clinical testing. Allele origin: unknown.